The following is an entry in ClinVar:

ClinVar aggregate classification (germline): Likely benign (1 of 4 stars; one submission).

Allele frequency attached by ClinVar (database versions not stated): 1000 Genomes Project 30x 0.00390; ESP Exome Variant Server 0.00422; 1000 Genomes Project 0.00459; TOPMed 0.00588; ExAC 0.00987.
gnomAD v4.1: 10,452 of 1,593,470 alleles (0.66%); highest among the groups gnomAD compares: South Asian, 0.89%; 52 homozygotes.

Submission:

CeGaT Center for Human Genetics Tuebingen
Classification: Likely benign. Last evaluated: 2025-06-01. Review status: criteria provided, single submitter. Criteria: CeGaT Center For Human Genetics Tuebingen Variant Classification Criteria Version 2. Collection method: clinical testing. Allele origin: germline. Affected: yes. Observed: 3 variant alleles.
Comment: DLGAP2: BP4, BS2

NM_001346810.2(DLGAP2):c.1991C>T (p.Thr664Met)

Gene: DLGAP2 (DLG associated protein 2; plus strand). Cytogenetic location: 8p23.3.
Variant type: single nucleotide variant.
Coding change: c.1991C>T on transcript NM_001346810.2 (MANE Select); coding-DNA position 1991, C replaced by T.
Protein change: p.Thr664Met; replaces threonine 664 with methionine.
Molecular consequence: missense variant.
Genome position (GRCh38, 1-based): chr8:1,668,509, C>T. VCF-style: chr8-1668509-C-T. GRCh37 (hg19) VCF-style: chr8-1616675-C-T.
Other names: short protein forms T664M.
Identifiers: ClinVar variation 2658293 (VCV002658293.24), dbSNP rs7463888, ClinGen allele CA4598689.